The following is an entry in ClinVar:

ClinVar aggregate classification (germline): Benign. Review status: criteria provided, single submitter (1 of 4 stars). 2 submissions from 2 submitters: Benign (1). 1 of the submissions does not count toward it. Last evaluated 2024-11-25.

Conditions:
RBMX-related disorder. Also called: RBMX-related condition.

Submissions (2):

Blueprint Genetics
Classification: Benign. Last evaluated: 2024-11-25. Review status: criteria provided, single submitter. Criteria: ACMG Guidelines, 2015. Collection method: clinical testing. Allele origin: germline.

PreventionGenetics, part of Exact Sciences
Classification: Benign for RBMX-related condition. Last evaluated: 2019-12-06. Review status: no assertion criteria provided. Collection method: clinical testing. Allele origin: germline. Not counted in ClinVar's aggregate classification.
Comment: This variant is classified as benign based on ACMG/AMP sequence variant interpretation guidelines (Richards et al. 2015 PMID: 25741868, with internal and published modifications).

NM_001164803.2(RBMX):c.559_561del (p.Tyr187del)

Gene: RBMX (RNA binding motif protein X-linked; minus strand). Cytogenetic location: Xq26.3.
Variant type: Deletion.
Coding change: c.559_561del on transcript NM_001164803.2; coding-DNA positions 559 to 561, 3 bases deleted (TAT; older notation c.559_561delTAT).
Protein change: p.Tyr187del; deletes tyrosine 187.
Molecular consequence: inframe deletion.
Genome position (GRCh38, 1-based): chrX:136,872,325-136,872,327, ATA deleted on the plus strand (TAT on the coding strand, the reverse complement: RBMX is on the minus strand); deleting any 3 consecutive bases within chrX:136,872,325-136,872,329 gives the same sequence; the c. name uses the placement nearest the transcript's 3' end. VCF-style (leftmost placement, unchanged base first): chrX-136872324-CATA-C. GRCh37 (hg19) VCF-style: chrX-135954483-CATA-C.
Other names: short protein forms Y187del.
Identifiers: ClinVar variation 3033241 (VCV003033241.3), dbSNP rs767553768, ClinGen allele CA10528648.
Genomic context (GRCh38, chrX:136,872,324, plus strand): 5'-TTACCTTAGCATTTCTTACTGCCAGCTTTATCTACTGTGAATCAATCAGCACTCCACGAC[CATA>C]ATGAGCAAAATCACCAACCTGCAAAAGTTAAATAAATGAAAACTAGTTATCTCTCTTAAG-3'